The following is an entry in ClinVar:

NM_181332.3(NLGN4X):c.1510C>G (p.Pro504Ala)

Gene: NLGN4X (neuroligin 4 X-linked; minus strand). Cytogenetic location: Xp22.32.
Variant type: single nucleotide variant.
Coding change: c.1510C>G on transcript NM_181332.3 (MANE Select); coding-DNA position 1510, C replaced by G.
Protein change: p.Pro504Ala; replaces proline 504 with alanine.
Molecular consequence: missense variant.
Genome position (GRCh38, 1-based): chrX:5,903,168, G>C on the plus strand (C>G on the coding strand, the complement: NLGN4X is on the minus strand). VCF-style: chrX-5903168-G-C. GRCh37 (hg19) VCF-style: chrX-5821209-G-C.
Other names: c.1510C>G, p.Pro504Ala (NM_001282145.2, NM_001282146.2, NM_020742.4); short protein forms P504A.
Identifiers: ClinVar variation 1810067 (VCV001810067.1), dbSNP rs1262649488, ClinGen allele CA412010218.

ClinVar aggregate classification (germline): Uncertain significance (1 of 4 stars; one submission).

gnomAD v4.1: 1 of 1,211,790 alleles (0.000083%); no homozygotes.

Submission:

GeneDx
Classification: Uncertain significance. Last evaluated: 2022-06-27. Review status: criteria provided, single submitter. Criteria: GeneDx Variant Classification Process June 2021. Collection method: clinical testing. Allele origin: germline. Affected: yes.
Comment: Not observed at significant frequency in large population cohorts (gnomAD); In silico analysis supports that this missense variant has a deleterious effect on protein structure/function; Has not been previously published as pathogenic or benign to our knowledge